The following is an entry in ClinVar:

ClinVar aggregate classification (germline): Likely benign (1 of 4 stars; one submission).

Allele frequency attached by ClinVar (database versions not stated): TOPMed 0.00001; gnomAD exomes 0.00004; gnomAD 0.00005; ExAC 0.00011.

Submission:

CeGaT Center for Human Genetics Tuebingen
Classification: Likely benign. Last evaluated: 2023-01-01. Review status: criteria provided, single submitter. Criteria: CeGaT Center For Human Genetics Tuebingen Variant Classification Criteria Version 2. Collection method: clinical testing. Allele origin: germline. Affected: yes. Observed: 1 variant allele.
Comment: ARMCX6: BS2

NM_019007.4(ARMCX6):c.53C>T (p.Ala18Val)

Gene: ARMCX6 (armadillo repeat containing X-linked 6; minus strand). Cytogenetic location: Xq22.1.
Variant type: single nucleotide variant.
Coding change: c.53C>T on transcript NM_019007.4 (MANE Select); coding-DNA position 53, C replaced by T.
Protein change: p.Ala18Val; replaces alanine 18 with valine.
Molecular consequence: missense variant.
Genome position (GRCh38, 1-based): chrX:101,616,568, G>A on the plus strand (C>T on the coding strand, the complement: ARMCX6 is on the minus strand). VCF-style: chrX-101616568-G-A. GRCh37 (hg19) VCF-style: chrX-100871558-G-A.
Other names: c.53C>T, p.Ala18Val (NM_001009584.2, NM_001184768.2); short protein forms A18V.
Identifiers: ClinVar variation 2661067 (VCV002661067.24), dbSNP rs781873806, ClinGen allele CA10474037.